The following is an entry in ClinVar:

ClinVar aggregate classification (germline): Likely benign. Review status: criteria provided, multiple submitters, no conflicts (2 of 4 stars). 3 submissions from 3 submitters: Likely benign (2). 1 of the submissions does not count toward it. Last evaluated 2025-11-05.

Conditions:
SMARCA2-related disorder. Also called: SMARCA2-related condition.

Allele frequency attached by ClinVar (database versions not stated): TOPMed 0.00002; gnomAD 0.00004; ExAC 0.00005; gnomAD exomes 0.00005; ESP Exome Variant Server 0.00008.
gnomAD v4.1: 70 of 1,614,006 alleles (0.0043%); highest among the groups gnomAD compares: Middle Eastern, 0.016%; no homozygotes.

Submissions (3):

Labcorp Genetics (formerly Invitae), Labcorp
Classification: Likely benign. Last evaluated: 2025-11-05. Review status: criteria provided, single submitter. Criteria: Invitae Variant Classification Sherloc (09022015). Collection method: clinical testing. Allele origin: germline.

Blueprint Genetics
Classification: Likely benign. Last evaluated: 2023-09-11. Review status: criteria provided, single submitter. Criteria: ACMG Guidelines, 2015. Collection method: clinical testing. Allele origin: germline.

PreventionGenetics, part of Exact Sciences
Classification: Likely benign for SMARCA2-related condition. Last evaluated: 2021-04-23. Review status: no assertion criteria provided. Collection method: clinical testing. Allele origin: germline. Not counted in ClinVar's aggregate classification.
Comment: This variant is classified as likely benign based on ACMG/AMP sequence variant interpretation guidelines (Richards et al. 2015 PMID: 25741868, with internal and published modifications).

NM_003070.5(SMARCA2):c.4494G>A (p.Val1498=)

Gene: SMARCA2 (SWI/SNF related BAF chromatin remodeling complex subunit ATPase 2; plus strand). Cytogenetic location: 9p24.3.
Variant type: single nucleotide variant.
Coding change: c.4494G>A on transcript NM_003070.5 (MANE Select); coding-DNA position 4494, G replaced by A.
Protein change: p.Val1498=; no amino-acid change (valine 1498 retained).
Molecular consequence: synonymous variant.
Genome position (GRCh38, 1-based): chr9:2,186,128, G>A. VCF-style: chr9-2186128-G-A. GRCh37 (hg19) VCF-style: chr9-2186128-G-A.
Other names: c.4494G>A, p.Val1498= (NM_001289396.2); c.4266G>A, p.Val1422= (NM_001289397.2); c.468G>A, p.Val156= (NM_001289398.2); c.552G>A, p.Val184= (NM_001289399.2); c.558G>A, p.Val186= (NM_001289400.2); c.4440G>A, p.Val1480= (NM_139045.4).
Identifiers: ClinVar variation 3036147 (VCV003036147.5), dbSNP rs375477038, ClinGen allele CA4964197.